The following is an entry in ClinVar:

ClinVar aggregate classification (germline): Uncertain significance (1 of 4 stars; one submission).

Conditions:
Ataxia-telangiectasia syndrome (AT). Also called: Ataxia-telangiectasia, complementation group D; AT, COMPLEMENTATION GROUP C; ATAXIA-TELANGIECTASIA, COMPLEMENTATION GROUP A; ATAXIA-TELANGIECTASIA, FRESNO VARIANT; Ataxia-telangiectasia; Ataxia-telangiectasia, complementation group E. Identifiers: Orphanet 100, MedGen C0004135, MONDO:0008840, OMIM 208900.

Submission:

Labcorp Genetics (formerly Invitae), Labcorp
Classification: Uncertain significance for Ataxia-telangiectasia syndrome. Last evaluated: 2024-06-10. Review status: criteria provided, single submitter. Criteria: Invitae Variant Classification Sherloc (09022015). Collection method: clinical testing. Allele origin: germline.
Comment: This sequence change replaces aspartic acid, which is acidic and polar, with tyrosine, which is neutral and polar, at codon 2916 of the ATM protein (p.Asp2916Tyr). This variant is not present in population databases (gnomAD no frequency). This variant has not been reported in the literature in individuals affected with ATM-related conditions. An algorithm developed to predict the effect of missense changes on protein structure and function (PolyPhen-2) suggests that this variant is likely to be disruptive. In summary, the available evidence is currently insufficient to determine the role of this variant in disease. Therefore, it has been classified as a Variant of Uncertain Significance.

NM_000051.4(ATM):c.8746G>T (p.Asp2916Tyr)

Genes: ATM (ATM serine/threonine kinase; plus strand), C11orf65 (chromosome 11 open reading frame 65; minus strand). Cytogenetic location: 11q22.3.
Variant type: single nucleotide variant.
Coding change: c.8746G>T on transcript NM_000051.4 (MANE Select); coding-DNA position 8746, G replaced by T.
Protein change: p.Asp2916Tyr; replaces aspartic acid 2916 with tyrosine.
Molecular consequence: missense variant. On other transcripts: intron variant (2).
Genome position (GRCh38, 1-based): chr11:108,353,840, G>T. VCF-style: chr11-108353840-G-T. GRCh37 (hg19) VCF-style: chr11-108224567-G-T.
Other names: c.8746G>T, p.Asp2916Tyr (NM_001351834.2); c.640+32080C>A (NM_001330368.2); c.695-18548C>A (NM_001351110.2); short protein forms D2916Y.
Identifiers: ClinVar variation 3656085 (VCV003656085.2).